The following is an entry in ClinVar:

NM_000059.4(BRCA2):c.1410_1422del (p.Glu471fs)

Gene: BRCA2 (BRCA2 DNA repair associated; plus strand). Cytogenetic location: 13q13.1.
Variant type: Deletion.
Coding change: c.1410_1422del on transcript NM_000059.4 (MANE Select); coding-DNA positions 1410 to 1422, 13 bases deleted (AGAGCAGCATCTT).
Protein change: p.Glu471fs; shifts the reading frame from glutamic acid 471.
Molecular consequence: frameshift variant. On other transcripts: non-coding transcript variant (1), intron variant (1).
Genome position (GRCh38, 1-based): chr13:32,332,888-32,332,900, AGAGCAGCATCTT deleted. VCF-style (leftmost placement, unchanged base first): chr13-32332887-AAGAGCAGCATCTT-A. GRCh37 (hg19) VCF-style: chr13-32907024-AAGAGCAGCATCTT-A.
Other names: c.1410_1422del, p.Glu471fs (NM_001406719.1, NM_001406720.1, NM_001406721.1 and 1 more transcripts); c.424+1858_424+1870del (NM_001406722.1); c.1410_1422del13 (NM_000059.3); short protein forms E471fs.
Identifiers: ClinVar variation 5033257 (VCV005033257.1).

ClinVar aggregate classification (germline): Pathogenic (1 of 4 stars; one submission).

Conditions:
Hereditary cancer-predisposing syndrome. Also called: Neoplastic Syndromes, Hereditary; Tumor predisposition; Hereditary neoplastic syndrome; Hereditary Cancer Syndrome. Identifiers: Orphanet 140162, MedGen C0027672, MeSH D009386, MONDO:0015356.

Submission:

Ambry Genetics
Classification: Pathogenic for Hereditary cancer-predisposing syndrome. Last evaluated: 2026-07-07. Review status: criteria provided, single submitter. Criteria: Ambry Variant Classification Scheme 2023. Collection method: clinical testing. Allele origin: germline.
Comment: The c.1410_1422del13 pathogenic mutation, located in coding exon 9 of the BRCA2 gene, results from a deletion of 13 nucleotides at nucleotide positions 1410 to 1422, causing a translational frameshift with a predicted alternate stop codon (p.E471Nfs*10). This variant is considered to be rare based on population cohorts in the Genome Aggregation Database (gnomAD). This alteration is expected to result in loss of function by premature protein truncation or nonsense-mediated mRNA decay. As such, this alteration is interpreted as a disease-causing mutation.